The following is an entry in ClinVar:

NM_004370.6(COL12A1):c.4172dup (p.Leu1391fs)

Gene: COL12A1 (collagen type XII alpha 1 chain; minus strand). Cytogenetic location: 6q13.
Variant type: Duplication.
Coding change: c.4172dup on transcript NM_004370.6 (MANE Select); coding-DNA position 4172, one base duplicated (T; older notation c.4172dupT).
Protein change: p.Leu1391fs; shifts the reading frame from leucine 1391.
Molecular consequence: frameshift variant.
Genome position (GRCh38, 1-based): chr6:75,148,473, A duplicated on the plus strand (T on the coding strand, the reverse complement: COL12A1 is on the minus strand); the first of 2 consecutive A bases (chr6:75,148,473-75,148,474); duplicating either gives the same sequence. VCF-style (leftmost placement, unchanged base first): chr6-75148472-T-TA. GRCh37 (hg19) VCF-style: chr6-75858188-T-TA.
Other names: c.680dup, p.Leu227fs (NM_080645.3); short protein forms L1391fs, L227fs.
Identifiers: ClinVar variation 642260 (VCV000642260.2), dbSNP rs1582133194, ClinGen allele CA915944350.
Genomic context (GRCh38, chr6:75,148,472, plus strand): 5'-ACTGTCAGAAGGTGGTGTCCAGCTCACTCTAAAAGAACGATGGGTTCGCTCAGAAATAAC[T>TA]AAGTTAGAAGGTGCTTCCAAATCACCTACACATGGAAATAAAGGGTATACACTTTTCTCA-3'

ClinVar aggregate classification (germline): Pathogenic (1 of 4 stars; one submission).

Conditions:
Ullrich congenital muscular dystrophy 2 (UCMD2). Identifiers: Orphanet 75840, MedGen C4225314, MONDO:0014654, OMIM 616470.
Bethlem myopathy 2 (BTHLM2). Identifiers: Orphanet 536516, Orphanet 610, MedGen C4225313, MONDO:0034022, OMIM 616471.

Submission:

Labcorp Genetics (formerly Invitae), Labcorp
Classification: Pathogenic for Bethlem myopathy 2; Ullrich congenital muscular dystrophy 2. Last evaluated: 2018-08-13. Review status: criteria provided, single submitter. Criteria: Invitae Variant Classification Sherloc (09022015). Collection method: clinical testing. Allele origin: germline.
Comment: For these reasons, this variant has been classified as Pathogenic. Loss-of-function variants in COL12A1 are known to be pathogenic (PMID: 24334604, 24334769, 27159402, 27348394, 224334604). This variant has not been reported in the literature in individuals with COL12A1-related disease. This variant is not present in population databases (ExAC no frequency). This sequence change creates a premature translational stop signal (p.Leu1391Phefs*5) in the COL12A1 gene. It is expected to result in an absent or disrupted protein product.

Literature cited by the submitters: PubMed 24334604; PubMed 24334769; PubMed 27159402; PubMed 27348394; PubMed 224334604.